The following is an entry in ClinVar:

NM_000212.3(ITGB3):c.1283A>C (p.Lys428Thr)

Gene: ITGB3 (integrin subunit beta 3; plus strand). Cytogenetic location: 17q21.32.
Variant type: single nucleotide variant.
Coding change: c.1283A>C on transcript NM_000212.3 (MANE Select); coding-DNA position 1283, A replaced by C.
Protein change: p.Lys428Thr; replaces lysine 428 with threonine.
Molecular consequence: missense variant.
Genome position (GRCh38, 1-based): chr17:47,292,161, A>C. VCF-style: chr17-47292161-A-C. GRCh37 (hg19) VCF-style: chr17-45369527-A-C.
Other names: short protein forms K428T.
Identifiers: ClinVar variation 3640417 (VCV003640417.2).

ClinVar aggregate classification (germline): Uncertain significance (1 of 4 stars; one submission).

Submission:

Labcorp Genetics (formerly Invitae), Labcorp
Classification: Uncertain significance. Last evaluated: 2024-02-22. Review status: criteria provided, single submitter. Criteria: Invitae Variant Classification Sherloc (09022015). Collection method: clinical testing. Allele origin: germline.
Comment: This sequence change replaces lysine, which is basic and polar, with threonine, which is neutral and polar, at codon 428 of the ITGB3 protein (p.Lys428Thr). This variant is not present in population databases (gnomAD no frequency). This variant has not been reported in the literature in individuals affected with ITGB3-related conditions. Advanced modeling of protein sequence and biophysical properties (such as structural, functional, and spatial information, amino acid conservation, physicochemical variation, residue mobility, and thermodynamic stability) performed at Invitae indicates that this missense variant is not expected to disrupt ITGB3 protein function with a negative predictive value of 80%. In summary, the available evidence is currently insufficient to determine the role of this variant in disease. Therefore, it has been classified as a Variant of Uncertain Significance.